The following is an entry in ClinVar:

ClinVar aggregate classification (germline): Uncertain significance. Review status: criteria provided, multiple submitters, no conflicts (2 of 4 stars). 2 submissions from 2 submitters: Uncertain significance (2). Last evaluated 2023-05-12.

Conditions:
Neurodevelopmental disorder with hearing loss and spasticity. Identifiers: Orphanet 659975, MedGen C5562024, MONDO:0859206, OMIM 619616.

Allele frequency attached by ClinVar (database versions not stated): TOPMed 0.00004; gnomAD 0.00005 and 0.00006; gnomAD exomes 0.00005; ExAC 0.00009.
gnomAD v4.1: 92 of 1,579,296 alleles (0.0058%); highest among the groups gnomAD compares: Middle Eastern, 0.085%; 1 homozygote.

Submissions (2):

Institute of Medical Genetics and Applied Genomics, University Hospital Tübingen
Classification: Uncertain significance for Neurodevelopmental disorder with hearing loss and spasticity. Last evaluated: 2023-05-12. Review status: criteria provided, single submitter. Criteria: ACMG Guidelines, 2015. Collection method: clinical testing. Allele origin: germline. Affected: yes.

CeGaT Center for Human Genetics Tuebingen
Classification: Uncertain significance. Last evaluated: 2023-02-01. Review status: criteria provided, single submitter. Criteria: CeGaT Center For Human Genetics Tuebingen Variant Classification Criteria Version 2. Collection method: clinical testing. Allele origin: germline. Affected: yes. Observed: 1 variant allele.
Comment: AFG2B: PM2, PM3:Supporting, PP3

NM_024063.3(AFG2B):c.213T>G (p.Phe71Leu)

Gene: AFG2B (AAA ATPase AFG2B; plus strand). Cytogenetic location: 15q21.1.
Variant type: single nucleotide variant.
Coding change: c.213T>G on transcript NM_024063.3 (MANE Select); coding-DNA position 213, T replaced by G.
Protein change: p.Phe71Leu; replaces phenylalanine 71 with leucine.
Molecular consequence: missense variant. On other transcripts: non-coding transcript variant (5).
Genome position (GRCh38, 1-based): chr15:45,402,642, T>G. VCF-style: chr15-45402642-T-G. GRCh37 (hg19) VCF-style: chr15-45694840-T-G.
Other names: c.213T>G, p.Phe71Leu (NM_001323640.2); short protein forms F71L.
Identifiers: ClinVar variation 1185568 (VCV001185568.26), dbSNP rs776678464, ClinGen allele CA7543106.
Genomic context (GRCh38, chr15:45,402,642, plus strand): 5'-ACCCGACGGCGGCTCCTGCCTCTGCACTGCCTGGCCTCGGCGGGACGGAGCGGACGGCTT[T>G]GTGCAGCTGGACCCGCTGTGCGCGAGCCCCGGGGCGGCGGTCGGGGCGTCGAGATCCCGG-3'
Protein context (NP_076968.2, residues 61-81): AWPRRDGADG[Phe71Leu]VQLDPLCASP